The following is an entry in ClinVar:

NM_000284.4(PDHA1):c.643A>T (p.Lys215Ter)

Gene: PDHA1 (pyruvate dehydrogenase E1 subunit alpha 1; plus strand). Cytogenetic location: Xp22.12.
Variant type: single nucleotide variant.
Coding change: c.643A>T on transcript NM_000284.4 (MANE Select); coding-DNA position 643, A replaced by T.
Protein change: p.Lys215Ter; replaces lysine 215 with a stop codon.
Molecular consequence: nonsense.
Genome position (GRCh38, 1-based): chrX:19,355,388, A>T. VCF-style: chrX-19355388-A-T. GRCh37 (hg19) VCF-style: chrX-19373506-A-T.
Other names: c.757A>T, p.Lys253Ter (NM_001173454.2); c.664A>T, p.Lys222Ter (NM_001173455.2); c.550A>T, p.Lys184Ter (NM_001173456.2); short protein forms K184*, K215*, K222*, K253*.
Identifiers: ClinVar variation 3239519 (VCV003239519.19), dbSNP rs2518499685.
Genomic context (GRCh38, chrX:19,355,388, plus strand): 5'-CCTTTTCGTAACTACTTCCAGGGCCAGATATTCGAAGCTTACAACATGGCAGCTTTGTGG[A>T]AATTACCTTGTATTTTCATCTGTGAGAATAATCGCTATGGAATGGGAACGTCTGTTGAGA-3'

ClinVar aggregate classification (germline): Pathogenic (1 of 4 stars; one submission).

Submission:

CeGaT Center for Human Genetics Tuebingen
Classification: Pathogenic. Last evaluated: 2024-05-01. Review status: criteria provided, single submitter. Criteria: CeGaT Center For Human Genetics Tuebingen Variant Classification Criteria Version 2. Collection method: clinical testing. Allele origin: germline. Affected: yes. Observed: 1 variant allele.
Comment: PDHA1: PVS1, PM2